The following is an entry in ClinVar:

NM_004525.3(LRP2):c.7465A>G (p.Met2489Val)

Gene: LRP2 (LDL receptor related protein 2; minus strand). Cytogenetic location: 2q31.1.
Variant type: single nucleotide variant.
Coding change: c.7465A>G on transcript NM_004525.3 (MANE Select); coding-DNA position 7465, A replaced by G.
Protein change: p.Met2489Val; replaces methionine 2489 with valine.
Molecular consequence: missense variant.
Genome position (GRCh38, 1-based): chr2:169,206,114, T>C on the plus strand (A>G on the coding strand, the complement: LRP2 is on the minus strand). VCF-style: chr2-169206114-T-C. GRCh37 (hg19) VCF-style: chr2-170062624-T-C.
Other names: short protein forms M2489V.
Identifiers: ClinVar variation 1471334 (VCV001471334.8), dbSNP rs2105332220, ClinGen allele CA349170255.
Genomic context (GRCh38, chr2:169,206,114, plus strand): 5'-GTTTTGGAACGCGGGCTATCACAGTGCGGTTAGACCCATCTTCAGCCATGGAATTAATCA[T>C]CTGGTTGAGGTAGTCACTGTAATAAATTCTTCTAGTAATCCAGTCAAAGGCAATGCCATC-3'
Protein context (NP_004516.2, residues 2479-2499): RIYYSDYLNQ[Met2489Val]INSMAEDGSN

ClinVar aggregate classification (germline): Uncertain significance (1 of 4 stars; one submission).

Submission:

Labcorp Genetics (formerly Invitae), Labcorp
Classification: Uncertain significance. Last evaluated: 2024-03-14. Review status: criteria provided, single submitter. Criteria: Invitae Variant Classification Sherloc (09022015). Collection method: clinical testing. Allele origin: germline.
Comment: This sequence change replaces methionine, which is neutral and non-polar, with valine, which is neutral and non-polar, at codon 2489 of the LRP2 protein (p.Met2489Val). This variant is not present in population databases (gnomAD no frequency). This variant has not been reported in the literature in individuals affected with LRP2-related conditions. ClinVar contains an entry for this variant (Variation ID: 1471334). Advanced modeling of protein sequence and biophysical properties (such as structural, functional, and spatial information, amino acid conservation, physicochemical variation, residue mobility, and thermodynamic stability) performed at Invitae indicates that this missense variant is not expected to disrupt LRP2 protein function with a negative predictive value of 95%. In summary, the available evidence is currently insufficient to determine the role of this variant in disease. Therefore, it has been classified as a Variant of Uncertain Significance.